The following is an entry in ClinVar:

ClinVar aggregate classification (germline): Benign. Review status: criteria provided, multiple submitters, no conflicts (2 of 4 stars). 2 submissions from 2 submitters: Benign (2). Last evaluated 2018-06-19.

Allele frequency attached by ClinVar (database versions not stated): gnomAD exomes 0.20485; gnomAD 0.26654 and 0.26932; TOPMed 0.28085; 1000 Genomes Project 30x 0.28873; 1000 Genomes Project 0.29093.
gnomAD v4.1: 198,807 of 922,658 alleles (22%); highest among the groups gnomAD compares: African/African-American, 48%; 25,009 homozygotes.

Submissions (2):

GeneDx
Classification: Benign. Last evaluated: 2018-06-19. Review status: criteria provided, single submitter. Criteria: GeneDx Variant Classification (06012015). Collection method: clinical testing. Allele origin: germline. Affected: yes.
Comment: This variant is considered likely benign or benign based on one or more of the following criteria: it is a conservative change, it occurs at a poorly conserved position in the protein, it is predicted to be benign by multiple in silico algorithms, and/or has population frequency not consistent with disease.

Breakthrough Genomics
Classification: Benign. Review status: criteria provided, single submitter. Criteria: ACMG Guidelines, 2015. Collection method: not provided. Allele origin: germline. Inheritance: Autosomal recessive inheritance. Affected: yes.

NM_000046.5(ARSB):c.499+145G>C

Gene: ARSB (arylsulfatase B; minus strand). Cytogenetic location: 5q14.1.
Variant type: single nucleotide variant.
Coding change: c.499+145G>C on transcript NM_000046.5 (MANE Select); 145 bases into the intron after coding-DNA position 499, G replaced by C.
Molecular consequence: intron variant.
Genome position (GRCh38, 1-based): chr5:78,968,861, C>G on the plus strand (G>C on the coding strand, the complement: ARSB is on the minus strand). VCF-style: chr5-78968861-C-G. GRCh37 (hg19) VCF-style: chr5-78264684-C-G.
Other names: c.499+145G>C (NM_198709.3).
Identifiers: ClinVar variation 680526 (VCV000680526.2), dbSNP rs61216659, ClinGen allele CA12142481.